The following is an entry in ClinVar:

NM_005592.4(MUSK):c.503C>T (p.Ala168Val)

Gene: MUSK (muscle associated receptor tyrosine kinase; plus strand). Cytogenetic location: 9q31.3.
Variant type: single nucleotide variant.
Coding change: c.503C>T on transcript NM_005592.4 (MANE Select); coding-DNA position 503, C replaced by T.
Protein change: p.Ala168Val; replaces alanine 168 with valine.
Molecular consequence: missense variant.
Genome position (GRCh38, 1-based): chr9:110,697,341, C>T. VCF-style: chr9-110697341-C-T. GRCh37 (hg19) VCF-style: chr9-113459621-C-T.
Other names: c.503C>T, p.Ala168Val (NM_001166280.2, NM_001166281.2); short protein forms A168V.
Identifiers: ClinVar variation 2176120 (VCV002176120.4), dbSNP rs2490677756, ClinGen allele CA374666071.
Genomic context (GRCh38, chr9:110,697,341, plus strand): 5'-TAGACCCATAAACATTTTTGAATTCACGTCCCTATCTCTGGCAGGAAAATTCCCGAATTG[C>T]AGTTCTTGAATCTGGGAGCTTGAGGATTCATAACGTACAAAAGGAAGATGCAGGACAGTA-3'
Protein context (NP_005583.1, residues 158-178): DSPLRENSRI[Ala168Val]VLESGSLRIH

ClinVar aggregate classification (germline): Uncertain significance (1 of 4 stars; one submission).

Conditions:
Fetal akinesia deformation sequence 1 (FADS1). Also called: Pena-Shokeir syndrome type I; Fetal akinesia sequence. Identifiers: Orphanet 994, MedGen C1276035, MONDO:0100101, OMIM 208150, HP:0001989.
Congenital myasthenic syndrome 9. Also called: Myasthenic syndrome, congenital, 9, associated with acetylcholine receptor deficiency. Identifiers: Orphanet 590, MedGen C4225368, MONDO:0014587, OMIM 616325.

Allele frequency attached by ClinVar (database versions not stated): gnomAD exomes 0.00003.

Submission:

Labcorp Genetics (formerly Invitae), Labcorp
Classification: Uncertain significance for Congenital myasthenic syndrome 9; Fetal akinesia deformation sequence 1. Last evaluated: 2022-10-17. Review status: criteria provided, single submitter. Criteria: Invitae Variant Classification Sherloc (09022015). Collection method: clinical testing. Allele origin: germline.
Comment: This variant is not present in population databases (gnomAD no frequency). This sequence change replaces alanine, which is neutral and non-polar, with valine, which is neutral and non-polar, at codon 168 of the MUSK protein (p.Ala168Val). This variant has not been reported in the literature in individuals affected with MUSK-related conditions. In summary, the available evidence is currently insufficient to determine the role of this variant in disease. Therefore, it has been classified as a Variant of Uncertain Significance. Advanced modeling of protein sequence and biophysical properties (such as structural, functional, and spatial information, amino acid conservation, physicochemical variation, residue mobility, and thermodynamic stability) performed at Invitae indicates that this missense variant is not expected to disrupt MUSK protein function.